The following is an entry in ClinVar:

NM_001112741.2(KCNC1):c.1127C>T (p.Pro376Leu)

Gene: KCNC1 (potassium voltage-gated channel subfamily C member 1; plus strand). Cytogenetic location: 11p15.1.
Variant type: single nucleotide variant.
Coding change: c.1127C>T on transcript NM_001112741.2 (MANE Select); coding-DNA position 1127, C replaced by T.
Protein change: p.Pro376Leu; replaces proline 376 with leucine.
Molecular consequence: missense variant.
Genome position (GRCh38, 1-based): chr11:17,772,221, C>T. VCF-style: chr11-17772221-C-T. GRCh37 (hg19) VCF-style: chr11-17793768-C-T.
Other names: c.1127C>T, p.Pro376Leu (NM_004976.4); short protein forms P376L.
Identifiers: ClinVar variation 4693003 (VCV004693003.1).

ClinVar aggregate classification (germline): Uncertain significance (1 of 4 stars; one submission).

Conditions:
Progressive myoclonic epilepsy type 7. Identifiers: Orphanet 435438, MedGen C4015420, MONDO:0014521, OMIM 616187.

gnomAD v4.1: 15 of 1,614,130 alleles (0.00093%); highest among the groups gnomAD compares: Non-Finnish European, 0.0013%; no homozygotes.

Submission:

Labcorp Genetics (formerly Invitae), Labcorp
Classification: Uncertain significance for Progressive myoclonic epilepsy type 7. Last evaluated: 2025-09-15. Review status: criteria provided, single submitter. Criteria: Invitae Variant Classification Sherloc (09022015). Collection method: clinical testing. Allele origin: germline.
Comment: This sequence change replaces proline, which is neutral and non-polar, with leucine, which is neutral and non-polar, at codon 376 of the KCNC1 protein (p.Pro376Leu). This variant is not present in population databases (gnomAD no frequency). This variant has not been reported in the literature in individuals affected with KCNC1-related conditions. Invitae Evidence Modeling of protein sequence and biophysical properties (such as structural, functional, and spatial information, amino acid conservation, physicochemical variation, residue mobility, and thermodynamic stability) indicates that this missense variant is expected to disrupt KCNC1 protein function with a positive predictive value of 95%. In summary, the available evidence is currently insufficient to determine the role of this variant in disease. Therefore, it has been classified as a Variant of Uncertain Significance.